The following is an entry in ClinVar:

ClinVar aggregate classification (germline): Uncertain significance (1 of 4 stars; one submission).

Conditions:
Cataract 14 multiple types. Also called: CATARACT 14, ZONULAR PULVERULENT; CATARACT 14, NUCLEAR PULVERULENT; CATARACT 14, NUCLEAR PULVERULENT AND POSTERIOR POLAR; CATARACT 14, NUCLEAR CORALLIFORM; CATARACT 14, EMBRYONAL NUCLEAR; CATARACT 14, COPPOCK-LIKE. Identifiers: Orphanet 91492, MedGen C1866078, MONDO:0011162, OMIM 601885.

Submission:

Labcorp Genetics (formerly Invitae), Labcorp
Classification: Uncertain significance for Cataract 14 multiple types. Last evaluated: 2018-10-18. Review status: criteria provided, single submitter. Criteria: Invitae Variant Classification Sherloc (09022015). Collection method: clinical testing. Allele origin: germline.
Comment: The frequency data for this variant in the population databases is considered unreliable, as metrics indicate insufficient coverage at this position in the ExAC database. This sequence change replaces glutamine with arginine at codon 406 of the GJA3 protein (p.Gln406Arg). The glutamine residue is weakly conserved and there is a small physicochemical difference between glutamine and arginine. This variant has not been reported in the literature in individuals with GJA3-related disease. In summary, the available evidence is currently insufficient to determine the role of this variant in disease. Therefore, it has been classified as a Variant of Uncertain Significance. Algorithms developed to predict the effect of missense changes on protein structure and function output the following: SIFT: "Tolerated"; PolyPhen-2: "Benign"; Align-GVGD: "Class C0". The arginine amino acid residue is found in multiple mammalian species, suggesting that this missense change does not adversely affect protein function. These predictions have not been confirmed by published functional studies and their clinical significance is uncertain.

NM_021954.4(GJA3):c.1217A>G (p.Gln406Arg)

Gene: GJA3 (gap junction protein alpha 3; minus strand). Cytogenetic location: 13q12.11.
Variant type: single nucleotide variant.
Coding change: c.1217A>G on transcript NM_021954.4 (MANE Select); coding-DNA position 1217, A replaced by G.
Protein change: p.Gln406Arg; replaces glutamine 406 with arginine.
Molecular consequence: missense variant.
Genome position (GRCh38, 1-based): chr13:20,142,072, T>C on the plus strand (A>G on the coding strand, the complement: GJA3 is on the minus strand). VCF-style: chr13-20142072-T-C. GRCh37 (hg19) VCF-style: chr13-20716211-T-C.
Other names: short protein forms Q406R.
Identifiers: ClinVar variation 654528 (VCV000654528.8), dbSNP rs1593332899, ClinGen allele CA387462494.